The following is an entry in ClinVar:

ClinVar aggregate classification (germline): Likely benign (1 of 4 stars; one submission).

gnomAD v4.1: 11 of 1,613,200 alleles (0.00068%); highest among the groups gnomAD compares: South Asian, 0.0011%; no homozygotes.

Submission:

CeGaT Center for Human Genetics Tuebingen
Classification: Likely benign. Last evaluated: 2025-10-01. Review status: criteria provided, single submitter. Criteria: CeGaT Center For Human Genetics Tuebingen Variant Classification Criteria Version 2. Collection method: clinical testing. Allele origin: germline. Affected: yes. Observed: 1 variant allele.
Comment: SOX6: BP4

NM_001367873.1(SOX6):c.237+3G>A

Gene: SOX6 (SRY-box transcription factor 6; minus strand). Cytogenetic location: 11p15.2.
Variant type: single nucleotide variant.
Coding change: c.237+3G>A on transcript NM_001367873.1 (MANE Select); 3 bases into the intron after coding-DNA position 237, G replaced by A.
Molecular consequence: intron variant.
Genome position (GRCh38, 1-based): chr11:16,341,009, C>T on the plus strand (G>A on the coding strand, the complement: SOX6 is on the minus strand). VCF-style: chr11-16341009-C-T. GRCh37 (hg19) VCF-style: chr11-16362555-C-T.
Other names: c.237+3G>A (NM_001367872.1, NM_033326.3, NM_001145811.2 and 2 more transcripts).
Identifiers: ClinVar variation 4533946 (VCV004533946.6).